The following is an entry in ClinVar:

NM_001710.6(CFB):c.1300G>A (p.Val434Met)

Gene: CFB (complement factor B; plus strand). Cytogenetic location: 6p21.33.
Variant type: single nucleotide variant.
Coding change: c.1300G>A on transcript NM_001710.6 (MANE Select); coding-DNA position 1300, G replaced by A.
Protein change: p.Val434Met; replaces valine 434 with methionine.
Molecular consequence: missense variant.
Genome position (GRCh38, 1-based): chr6:31,949,449, G>A. VCF-style: chr6-31949449-G-A. GRCh37 (hg19) VCF-style: chr6-31917226-G-A.
Other names: short protein forms V434M.
Identifiers: ClinVar variation 2053063 (VCV002053063.4), dbSNP rs1771622206, ClinGen allele CA363402960.

ClinVar aggregate classification (germline): Uncertain significance (1 of 4 stars; one submission).

Submission:

Labcorp Genetics (formerly Invitae), Labcorp
Classification: Uncertain significance. Last evaluated: 2021-12-25. Review status: criteria provided, single submitter. Criteria: Invitae Variant Classification Sherloc (09022015). Collection method: clinical testing. Allele origin: germline.
Comment: This sequence change replaces valine, which is neutral and non-polar, with methionine, which is neutral and non-polar, at codon 434 of the CFB protein (p.Val434Met). This variant is not present in population databases (gnomAD no frequency). This variant has not been reported in the literature in individuals affected with CFB-related conditions. Algorithms developed to predict the effect of missense changes on protein structure and function are either unavailable or do not agree on the potential impact of this missense change (SIFT: "Deleterious"; PolyPhen-2: "Probably Damaging"; Align-GVGD: "Class C0"). In summary, the available evidence is currently insufficient to determine the role of this variant in disease. Therefore, it has been classified as a Variant of Uncertain Significance.